The following is an entry in ClinVar:

NM_006231.4(POLE):c.2311C>T (p.Leu771Phe)

Gene: POLE (DNA polymerase epsilon, catalytic subunit; minus strand). Cytogenetic location: 12q24.33.
Variant type: single nucleotide variant.
Coding change: c.2311C>T on transcript NM_006231.4 (MANE Select); coding-DNA position 2311, C replaced by T.
Protein change: p.Leu771Phe; replaces leucine 771 with phenylalanine.
Molecular consequence: missense variant.
Genome position (GRCh38, 1-based): chr12:132,667,511, G>A on the plus strand (C>T on the coding strand, the complement: POLE is on the minus strand). VCF-style: chr12-132667511-G-A. GRCh37 (hg19) VCF-style: chr12-133244097-G-A.
Other names: short protein forms L771F.
Identifiers: ClinVar variation 993085 (VCV000993085.5), dbSNP rs2042823051, ClinGen allele CA387352080.

ClinVar aggregate classification (germline): Uncertain significance. Review status: criteria provided, multiple submitters, no conflicts (2 of 4 stars). 2 submissions from 2 submitters: Uncertain significance (2). Last evaluated 2025-05-14.

Submissions (2):

Labcorp Genetics (formerly Invitae), Labcorp
Classification: Uncertain significance. Last evaluated: 2025-05-14. Review status: criteria provided, single submitter. Criteria: Invitae Variant Classification Sherloc (09022015). Collection method: clinical testing. Allele origin: germline.
Comment: This sequence change replaces leucine, which is neutral and non-polar, with phenylalanine, which is neutral and non-polar, at codon 771 of the POLE protein (p.Leu771Phe). This variant is not present in population databases (gnomAD no frequency). This variant has not been reported in the literature in individuals affected with POLE-related conditions. ClinVar contains an entry for this variant (Variation ID: 993085). Invitae Evidence Modeling of protein sequence and biophysical properties (such as structural, functional, and spatial information, amino acid conservation, physicochemical variation, residue mobility, and thermodynamic stability) has been performed for this missense variant. However, the output from this modeling did not meet the statistical confidence thresholds required to predict the impact of this variant on POLE protein function. In summary, the available evidence is currently insufficient to determine the role of this variant in disease. Therefore, it has been classified as a Variant of Uncertain Significance.

Quest Diagnostics Nichols Institute San Juan Capistrano
Classification: Uncertain significance. Last evaluated: 2020-01-03. Review status: criteria provided, single submitter. Criteria: Quest Diagnostics criteria. Collection method: clinical testing. Allele origin: unknown.